The following is an entry in ClinVar:

ClinVar aggregate classification (germline): Uncertain significance (1 of 4 stars; one submission).

gnomAD v4.1: 2 of 1,584,154 alleles (0.00013%); highest among the groups gnomAD compares: Non-Finnish European, 0.00017%; no homozygotes.

Submission:

GeneDx
Classification: Uncertain significance. Last evaluated: 2024-09-10. Review status: criteria provided, single submitter. Criteria: GeneDx Variant Classification Process June 2021. Collection method: clinical testing. Allele origin: germline. Affected: yes.
Comment: Not observed at significant frequency in large population cohorts (gnomAD); In silico analysis indicates that this missense variant does not alter protein structure/function; Has not been previously published as pathogenic or benign to our knowledge

NM_024665.7(TBL1XR1):c.771C>A (p.Asn257Lys)

Genes: TBL1XR1-AS1 (TBL1XR1 antisense RNA 1; plus strand), TBL1XR1 (TBL1X/Y related 1; minus strand). Cytogenetic location: 3q26.32.
Variant type: single nucleotide variant.
Coding change: c.771C>A on transcript NM_024665.7 (MANE Select); coding-DNA position 771, C replaced by A.
Protein change: p.Asn257Lys; replaces asparagine 257 with lysine.
Molecular consequence: missense variant.
Genome position (GRCh38, 1-based): chr3:177,047,393, G>T on the plus strand (C>A on the coding strand, the complement: TBL1XR1 is on the minus strand). VCF-style: chr3-177047393-G-T. GRCh37 (hg19) VCF-style: chr3-176765181-G-T.
Other names: c.771C>A, p.Asn257Lys (NM_001321193.3, NM_001321194.3, NM_001374327.1 and 2 more transcripts); c.510C>A, p.Asn170Lys (NM_001321195.3, NM_001374330.1); short protein forms N170K, N257K.
Identifiers: ClinVar variation 3767538 (VCV003767538.1).